The following is an entry in ClinVar:

NM_007050.6(PTPRT):c.3345C>T (p.Cys1115=)

Gene: PTPRT (protein tyrosine phosphatase receptor type T; minus strand). Cytogenetic location: 20q12.
Variant type: single nucleotide variant.
Coding change: c.3345C>T on transcript NM_007050.6 (MANE Select); coding-DNA position 3345, C replaced by T.
Protein change: p.Cys1115=; no amino-acid change (cysteine 1115 retained).
Molecular consequence: synonymous variant.
Genome position (GRCh38, 1-based): chr20:42,106,831, G>A on the plus strand (C>T on the coding strand, the complement: PTPRT is on the minus strand). VCF-style: chr20-42106831-G-A. GRCh37 (hg19) VCF-style: chr20-40735471-G-A.
Other names: c.3402C>T, p.Cys1134= (NM_133170.4).
Identifiers: ClinVar variation 708273 (VCV000708273.5), dbSNP rs189118400, ClinGen allele CA9863918.

ClinVar aggregate classification (germline): Benign. Review status: criteria provided, single submitter (1 of 4 stars). 2 submissions from 2 submitters: Benign (1). 1 of the submissions does not count toward it. Last evaluated 2017-12-04.

Conditions:
PTPRT-related disorder. Also called: PTPRT-related condition.

Allele frequency attached by ClinVar (database versions not stated): gnomAD 0.00009 and 0.00013; gnomAD exomes 0.00014 and 0.00036; TOPMed 0.00024; ExAC 0.00038; 1000 Genomes Project 30x 0.00109; 1000 Genomes Project 0.00120.
gnomAD v4.1: 231 of 1,614,122 alleles (0.014%); highest among the groups gnomAD compares: East Asian, 0.37%; 2 homozygotes.

Submissions (2):

Labcorp Genetics (formerly Invitae), Labcorp
Classification: Benign. Last evaluated: 2017-12-04. Review status: criteria provided, single submitter. Criteria: Invitae Variant Classification Sherloc (09022015). Collection method: clinical testing. Allele origin: germline.

PreventionGenetics, part of Exact Sciences
Classification: Likely benign for PTPRT-related condition. Last evaluated: 2019-08-01. Review status: no assertion criteria provided. Collection method: clinical testing. Allele origin: germline. Not counted in ClinVar's aggregate classification.
Comment: This variant is classified as likely benign based on ACMG/AMP sequence variant interpretation guidelines (Richards et al. 2015 PMID: 25741868, with internal and published modifications).